The following is an entry in ClinVar:

NM_005458.8(GABBR2):c.1885A>G (p.Ser629Gly)

Gene: GABBR2 (gamma-aminobutyric acid type B receptor subunit 2; minus strand). Cytogenetic location: 9q22.33.
Variant type: single nucleotide variant.
Coding change: c.1885A>G on transcript NM_005458.8 (MANE Select); coding-DNA position 1885, A replaced by G.
Protein change: p.Ser629Gly; replaces serine 629 with glycine.
Molecular consequence: missense variant.
Genome position (GRCh38, 1-based): chr9:98,362,723, T>C on the plus strand (A>G on the coding strand, the complement: GABBR2 is on the minus strand). VCF-style: chr9-98362723-T-C. GRCh37 (hg19) VCF-style: chr9-101125005-T-C.
Other names: short protein forms S629G.
Identifiers: ClinVar variation 1520841 (VCV001520841.8), dbSNP rs769481084, ClinGen allele CA5152601.
Genomic context (GRCh38, chr9:98,362,723, plus strand): 5'-GTGCCAGGGGCTGCATCTGCAGGCTTCCCTCCTGCCGGCATGGAGGGCTTACCTCCATGC[T>C]GTACTTCTCCACTGTCCTTCGCAGGGGGTCCACAGCCTGCCAGCAGATCAGGATACACAG-3'
Protein context (NP_005449.5, residues 619-639): DPLRRTVEKY[Ser629Gly]MEPDPAGRDI

ClinVar aggregate classification (germline): Uncertain significance (1 of 4 stars; one submission).

Conditions:
Epileptic encephalopathy. Identifiers: MedGen C0543888, HP:0200134.

Allele frequency attached by ClinVar (database versions not stated): gnomAD exomes below 0.00001; ExAC 0.00001.
gnomAD v4.1: 1 of 1,585,344 alleles (0.000063%); highest among the groups gnomAD compares: East Asian, 0.0023%; no homozygotes.

Submission:

Labcorp Genetics (formerly Invitae), Labcorp
Classification: Uncertain significance for Epileptic encephalopathy. Last evaluated: 2025-06-16. Review status: criteria provided, single submitter. Criteria: Invitae Variant Classification Sherloc (09022015). Collection method: clinical testing. Allele origin: germline.
Comment: This sequence change replaces serine, which is neutral and polar, with glycine, which is neutral and non-polar, at codon 629 of the GABBR2 protein (p.Ser629Gly). This variant is present in population databases (rs769481084, gnomAD 0.006%). This variant has not been reported in the literature in individuals affected with GABBR2-related conditions. ClinVar contains an entry for this variant (Variation ID: 1520841). Invitae Evidence Modeling of protein sequence and biophysical properties (such as structural, functional, and spatial information, amino acid conservation, physicochemical variation, residue mobility, and thermodynamic stability) indicates that this missense variant is not expected to disrupt GABBR2 protein function with a negative predictive value of 80%. In summary, the available evidence is currently insufficient to determine the role of this variant in disease. Therefore, it has been classified as a Variant of Uncertain Significance.